The following is an entry in ClinVar:

ClinVar aggregate classification (germline): Conflicting classifications of pathogenicity. Review status: criteria provided, conflicting classifications (1 of 4 stars). 3 submissions from 3 submitters: Uncertain significance (2); Likely benign (1). Last evaluated 2024-05-13.

Conditions:
Alstrom syndrome (ALMS). Identifiers: Orphanet 64, MedGen C0268425, MONDO:0008763, OMIM 203800.
Cardiovascular phenotype. Identifiers: MedGen CN230736.

Allele frequency attached by ClinVar (database versions not stated): ExAC 0.00001; gnomAD exomes 0.00001; TOPMed 0.00004; gnomAD 0.00005.
gnomAD v4.1: 24 of 1,613,952 alleles (0.0015%); highest among the groups gnomAD compares: Admixed American, 0.0067%; no homozygotes.

Submissions (3):

GeneDx
Classification: Uncertain significance. Last evaluated: 2024-05-13. Review status: criteria provided, single submitter. Criteria: GeneDx Variant Classification Process June 2021. Collection method: clinical testing. Allele origin: germline. Affected: yes.
Comment: Not observed at significant frequency in large population cohorts (gnomAD); In silico analysis supports that this missense variant does not alter protein structure/function; Has not been previously published as pathogenic or benign to our knowledge

Ambry Genetics
Classification: Likely benign for Cardiovascular phenotype. Last evaluated: 2024-01-04. Review status: criteria provided, single submitter. Criteria: Ambry Variant Classification Scheme 2023. Collection method: clinical testing. Allele origin: germline.

Labcorp Genetics (formerly Invitae), Labcorp
Classification: Uncertain significance for Alstrom syndrome. Last evaluated: 2022-09-27. Review status: criteria provided, single submitter. Criteria: Invitae Variant Classification Sherloc (09022015). Collection method: clinical testing. Allele origin: germline.
Comment: This sequence change replaces glutamic acid, which is acidic and polar, with lysine, which is basic and polar, at codon 960 of the ALMS1 protein (p.Glu960Lys). This variant is present in population databases (rs762124005, gnomAD 0.004%). This variant has not been reported in the literature in individuals affected with ALMS1-related conditions. Experimental studies and prediction algorithms are not available or were not evaluated, and the functional significance of this variant is currently unknown. In summary, the available evidence is currently insufficient to determine the role of this variant in disease. Therefore, it has been classified as a Variant of Uncertain Significance.

Literature cited by the submitters: PubMed 36413997 (cited by Ambry Genetics).

NM_001378454.1(ALMS1):c.2875G>A (p.Glu959Lys)

Gene: ALMS1 (ALMS1 centrosome and basal body associated protein; plus strand). Cytogenetic location: 2p13.1.
Variant type: single nucleotide variant.
Coding change: c.2875G>A on transcript NM_001378454.1 (MANE Select); coding-DNA position 2875, G replaced by A.
Protein change: p.Glu959Lys; replaces glutamic acid 959 with lysine.
Molecular consequence: missense variant.
Genome position (GRCh38, 1-based): chr2:73,449,402, G>A. VCF-style: chr2-73449402-G-A. GRCh37 (hg19) VCF-style: chr2-73676529-G-A.
Other names: c.2878G>A, p.Glu960Lys (NM_015120.4); short protein forms E959K, E960K.
Identifiers: ClinVar variation 1797125 (VCV001797125.5), dbSNP rs762124005, ClinGen allele CA1713428.